The following is an entry in ClinVar:

ClinVar aggregate classification (germline): Uncertain significance (1 of 4 stars; one submission).

Conditions:
Cardiovascular phenotype. Identifiers: MedGen CN230736.

Allele frequency attached by ClinVar (database versions not stated): gnomAD exomes below 0.00001.

Submission:

Ambry Genetics
Classification: Uncertain significance for Cardiovascular phenotype. Last evaluated: 2020-10-26. Review status: criteria provided, single submitter. Criteria: Ambry Variant Classification Scheme 2023. Collection method: clinical testing. Allele origin: germline.
Comment: The p.Q172L variant (also known as c.515A>T), located in coding exon 1 of the DES gene, results from an A to T substitution at nucleotide position 515. The glutamine at codon 172 is replaced by leucine, an amino acid with dissimilar properties. This amino acid position is highly conserved in available vertebrate species. In addition, this alteration is predicted to be deleterious by in silico analysis. Since supporting evidence is limited at this time, the clinical significance of this alteration remains unclear.

NM_001927.4(DES):c.515A>T (p.Gln172Leu)

Gene: DES (desmin; plus strand). Cytogenetic location: 2q35.
Variant type: single nucleotide variant.
Coding change: c.515A>T on transcript NM_001927.4 (MANE Select); coding-DNA position 515, A replaced by T.
Protein change: p.Gln172Leu; replaces glutamine 172 with leucine.
Molecular consequence: missense variant. On other transcripts: intron variant (1).
Genome position (GRCh38, 1-based): chr2:219,418,977, A>T. VCF-style: chr2-219418977-A-T. GRCh37 (hg19) VCF-style: chr2-220283699-A-T.
Other names: c.515A>T, p.Gln172Leu (NM_001382708.1, NM_001382709.1, NM_001382710.1 and 2 more transcripts); c.495+20A>T (NM_001382713.1); short protein forms Q172L.
Identifiers: ClinVar variation 1745706 (VCV001745706.2), dbSNP rs2125166557, ClinGen allele CA350686796.